The following is an entry in ClinVar:

NM_001360.3(DHCR7):c.592A>G (p.Lys198Glu)

Gene: DHCR7 (7-dehydrocholesterol reductase; minus strand). Cytogenetic location: 11q13.4.
Variant type: single nucleotide variant.
Coding change: c.592A>G on transcript NM_001360.3 (MANE Select); coding-DNA position 592, A replaced by G.
Protein change: p.Lys198Glu; replaces lysine 198 with glutamic acid.
Molecular consequence: missense variant.
Genome position (GRCh38, 1-based): chr11:71,441,261, T>C on the plus strand (A>G on the coding strand, the complement: DHCR7 is on the minus strand). VCF-style: chr11-71441261-T-C. GRCh37 (hg19) VCF-style: chr11-71152307-T-C.
Other names: c.592A>G, p.Lys198Glu (NM_001163817.2, NM_001425107.1, NM_001425109.1 and 7 more transcripts); c.628A>G, p.Lys210Glu (NM_001425108.1); c.532A>G, p.Lys178Glu (NM_001425113.1); c.496A>G, p.Lys166Glu (NM_001425114.1, NM_001425116.1); c.418A>G, p.Lys140Glu (NM_001425117.1); short protein forms K140E, K166E, K178E, K198E, K210E.
Identifiers: ClinVar variation 2663369 (VCV002663369.3), dbSNP rs2539227507, ClinGen allele CA381694358.
Genomic context (GRCh38, chr11:71,441,261, plus strand): 5'-GGCTGGACCCGCTGCTAAGAACATACCAGTCTCTGGCGCTGGTGGGGAAGAAGTAGCCCT[T>C]GACCATGGCGAAGGTGGAGACGGCATAGCCAAGGATGTTGGCGCACCACAGCAGTGGGAT-3'
Protein context (NP_001351.2, residues 188-208): GYAVSTFAMV[Lys198Glu]GYFFPTSARD

ClinVar aggregate classification (germline): Conflicting classifications of pathogenicity. Review status: criteria provided, conflicting classifications (1 of 4 stars). 3 submissions from 3 submitters: Likely pathogenic (2); Uncertain significance (1). Last evaluated 2025-02-06.

Conditions:
Smith-Lemli-Opitz syndrome (SLOS). Also called: LETHAL ACRODYSGENITAL SYNDROME; POLYDACTYLY, SEX REVERSAL, RENAL HYPOPLASIA, AND UNILOBAR LUNG; RSH SYNDROME; RUTLEDGE LETHAL MULTIPLE CONGENITAL ANOMALY SYNDROME; 7-Dehydrocholesterol reductase deficiency. Identifiers: Orphanet 818, MedGen C0175694, MONDO:0010035, OMIM 270400.

Submissions (3):

Natera, Inc.
Classification: Likely pathogenic for Smith-Lemli-Opitz syndrome. Last evaluated: 2025-02-06. Review status: criteria provided, single submitter. Criteria: Natera Variant Classification Schema (03/2026). Collection method: clinical testing. Allele origin: germline.
Comment: The c.592A>G variant in DHCR7 is a missense variant predicted to cause substitution of lysine to glutamic acid at amino acid 198. This variant is rare in the general population with a frequency below the threshold expected for the associated phenotype(s). This variant has been observed in one or more individuals affected with the associated recessive disease, as either homozygous or compound heterozygous with a second variant (PMID: 11427181). This variant has been identified in one or more affected individuals with a phenotype highly consistent with the associated gene (PMID: 11427181). Computational prediction algorithms indicate this variant is likely to affect gene or protein function. Given the available evidence, this variant is classified as Likely Pathogenic.

Women's Health and Genetics/Laboratory Corporation of America, LabCorp
Classification: Uncertain significance. Last evaluated: 2024-05-14. Review status: criteria provided, single submitter. Criteria: LabCorp Variant Classification Summary - May 2015. Collection method: clinical testing. Allele origin: germline.
Comment: Variant summary: DHCR7 c.592A>G (p.Lys198Glu) results in a conservative amino acid change in the encoded protein sequence. Four of five in-silico tools predict a damaging effect of the variant on protein function. The variant was absent in 250194 control chromosomes. The available data on variant occurrences in the general population are insufficient to allow any conclusion about variant significance. c.592A>G has been reported in the literature in at least one individual affected with Smith-Lemli-Opitz Syndrome (e.g. Jira_2001). These data do not allow any conclusion about variant significance. To our knowledge, no experimental evidence demonstrating an impact on protein function has been reported. The following publication has been ascertained in the context of this evaluation (PMID: 11427181). ClinVar contains an entry for this variant (Variation ID: 2663369). Based on the evidence outlined above, the variant was classified as uncertain significance.

GeneDx
Classification: Likely pathogenic. Last evaluated: 2023-04-28. Review status: criteria provided, single submitter. Criteria: GeneDx Variant Classification Process June 2021. Collection method: clinical testing. Allele origin: germline. Affected: yes.
Comment: Reported in patients with Smith-Lemli-Opitz in published literature (Waterham et al., 2000; Jira et al., 2001; Waterham et al., 2012); Not observed at significant frequency in large population cohorts (gnomAD); In silico analysis supports that this missense variant has a deleterious effect on protein structure/function; This variant is associated with the following publications: (PMID: 16181459, 23042628, 8209912, 11111101, 11427181)

Literature cited by the submitters: PubMed 11427181 (cited by Natera, Inc. and Women's Health and Genetics/Laboratory Corporation of America, LabCorp).